The following is an entry in ClinVar:

ClinVar aggregate classification (germline): Likely benign. Review status: criteria provided, multiple submitters, no conflicts (2 of 4 stars). 2 submissions from 2 submitters: Likely benign (2). Last evaluated 2026-06-01.

Allele frequency attached by ClinVar (database versions not stated): gnomAD exomes 0.00004; ESP Exome Variant Server 0.00008; TOPMed 0.00009; gnomAD 0.00010; ExAC 0.00023; 1000 Genomes Project 0.00040; 1000 Genomes Project 30x 0.00062.
gnomAD v4.1: 77 of 1,598,496 alleles (0.0048%); highest among the groups gnomAD compares: Admixed American, 0.031%; no homozygotes.

Submissions (3):

CeGaT Center for Human Genetics Tuebingen
Classification: Likely benign. Last evaluated: 2026-06-01. Review status: criteria provided, single submitter. Criteria: CeGaT Center For Human Genetics Tuebingen Variant Classification Criteria Version 2. Collection method: clinical testing. Allele origin: germline. Affected: yes. Observed: 1 variant allele.
Comment: PITRM1: BP4, BP7

Labcorp Genetics (formerly Invitae), Labcorp
Classification: Likely benign. Last evaluated: 2025-08-18. Review status: criteria provided, single submitter. Criteria: Invitae Variant Classification Sherloc (09022015). Collection method: clinical testing. Allele origin: germline.

Dr. Peter K. Rogan Lab, Western University
No classification provided (evidence only). Condition: Clear cell carcinoma of kidney. Review status: no classification provided. Collection method: in vitro. Allele origin: not applicable. Functional consequence: retained intron. Not counted in ClinVar's aggregate classification.

NM_014889.4(PITRM1):c.2769C>T (p.Tyr923=)

Gene: PITRM1 (pitrilysin metallopeptidase 1; minus strand). Cytogenetic location: 10p15.2.
Variant type: single nucleotide variant.
Coding change: c.2769C>T on transcript NM_014889.4 (MANE Select); coding-DNA position 2769, C replaced by T.
Protein change: p.Tyr923=; no amino-acid change (tyrosine 923 retained).
Molecular consequence: synonymous variant. On other transcripts: non-coding transcript variant (4).
Genome position (GRCh38, 1-based): chr10:3,140,689, G>A on the plus strand (C>T on the coding strand, the complement: PITRM1 is on the minus strand). VCF-style: chr10-3140689-G-A. GRCh37 (hg19) VCF-style: chr10-3182881-G-A.
Other names: c.2772C>T, p.Tyr924= (NM_001242307.2); c.2475C>T, p.Tyr825= (NM_001242309.1); c.2571C>T, p.Tyr857= (NM_001347725.2); c.1956C>T, p.Tyr652= (NM_001347726.2); c.2154C>T, p.Tyr718= (NM_001347727.2); c.1464C>T, p.Tyr488= (NM_001347728.2); c.2745C>T, p.Tyr915= (NM_001347729.1); c.2547C>T, p.Tyr849= (NM_001347730.1).
Identifiers: ClinVar variation 2180992 (VCV002180992.7), dbSNP rs140801573, ClinGen allele CA5387241.